The following is an entry in ClinVar:

NM_024675.4(PALB2):c.1678G>A (p.Val560Met)

Gene: PALB2 (partner and localizer of BRCA2; minus strand). Cytogenetic location: 16p12.2.
Variant type: single nucleotide variant.
Coding change: c.1678G>A on transcript NM_024675.4 (MANE Select); coding-DNA position 1678, G replaced by A.
Protein change: p.Val560Met; replaces valine 560 with methionine.
Molecular consequence: missense variant.
Genome position (GRCh38, 1-based): chr16:23,634,868, C>T on the plus strand (G>A on the coding strand, the complement: PALB2 is on the minus strand). VCF-style: chr16-23634868-C-T. GRCh37 (hg19) VCF-style: chr16-23646189-C-T.
Other names: short protein forms V560M.
Identifiers: ClinVar variation 852289 (VCV000852289.17), dbSNP rs1966946608, ClinGen allele CA395129903.

ClinVar aggregate classification (germline): Uncertain significance. Review status: criteria provided, multiple submitters, no conflicts (2 of 4 stars). 3 submissions from 3 submitters: Uncertain significance (3). Last evaluated 2024-03-06.

Conditions:
Familial cancer of breast. Also called: Hereditary breast cancer; hereditary breast carcinoma; BREAST CANCER, FAMILIAL. Identifiers: Orphanet 227535, MedGen C0346153, MONDO:0016419, OMIM 114480. Disease mechanism: loss of function.
Hereditary cancer-predisposing syndrome. Also called: Neoplastic Syndromes, Hereditary; Hereditary Cancer Syndrome; Tumor predisposition; Hereditary neoplastic syndrome. Identifiers: Orphanet 140162, MedGen C0027672, MeSH D009386, MONDO:0015356.

Submissions (3):

Color Diagnostics, LLC DBA Color Health
Classification: Uncertain significance for Hereditary cancer-predisposing syndrome. Last evaluated: 2024-03-06. Review status: criteria provided, single submitter. Criteria: ACMG Guidelines, 2015. Collection method: clinical testing. Allele origin: germline.
Comment: This missense variant replaces valine with methionine at codon 560 of the PALB2 protein. Computational prediction suggests that this variant may not impact protein structure and function (internally defined REVEL score threshold <= 0.5, PMID: 27666373). To our knowledge, functional studies have not been reported for this variant. This variant has not been reported in individuals affected with hereditary cancer in the literature. This variant has not been identified in the general population by the Genome Aggregation Database (gnomAD). The available evidence is insufficient to determine the role of this variant in disease conclusively. Therefore, this variant is classified as a Variant of Uncertain Significance.

Ambry Genetics
Classification: Uncertain significance for Hereditary cancer-predisposing syndrome. Last evaluated: 2021-02-24. Review status: criteria provided, single submitter. Criteria: Ambry Variant Classification Scheme 2023. Collection method: clinical testing. Allele origin: germline.
Comment: The p.V560M variant (also known as c.1678G>A), located in coding exon 4 of the PALB2 gene, results from a G to A substitution at nucleotide position 1678. The valine at codon 560 is replaced by methionine, an amino acid with highly similar properties. This amino acid position is not well conserved in available vertebrate species. In addition, this alteration is predicted to be tolerated by in silico analysis. Since supporting evidence is limited at this time, the clinical significance of this alteration remains unclear.

Labcorp Genetics (formerly Invitae), Labcorp
Classification: Uncertain significance for Familial cancer of breast. Last evaluated: 2019-11-21. Review status: criteria provided, single submitter. Criteria: Invitae Variant Classification Sherloc (09022015). Collection method: clinical testing. Allele origin: germline.
Comment: In summary, the available evidence is currently insufficient to determine the role of this variant in disease. Therefore, it has been classified as a Variant of Uncertain Significance. Algorithms developed to predict the effect of missense changes on protein structure and function (SIFT, PolyPhen-2, Align-GVGD) all suggest that this variant is likely to be tolerated, but these predictions have not been confirmed by published functional studies and their clinical significance is uncertain. This variant has not been reported in the literature in individuals with PALB2-related conditions. This variant is not present in population databases (ExAC no frequency). This sequence change replaces valine with methionine at codon 560 of the PALB2 protein (p.Val560Met). The valine residue is weakly conserved and there is a small physicochemical difference between valine and methionine.